The following is an entry in ClinVar:

NM_001378454.1(ALMS1):c.2702C>T (p.Pro901Leu)

Gene: ALMS1 (ALMS1 centrosome and basal body associated protein; plus strand). Cytogenetic location: 2p13.1.
Variant type: single nucleotide variant.
Coding change: c.2702C>T on transcript NM_001378454.1 (MANE Select); coding-DNA position 2702, C replaced by T.
Protein change: p.Pro901Leu; replaces proline 901 with leucine.
Molecular consequence: missense variant.
Genome position (GRCh38, 1-based): chr2:73,449,229, C>T. VCF-style: chr2-73449229-C-T. GRCh37 (hg19) VCF-style: chr2-73676356-C-T.
Other names: c.2705C>T, p.Pro902Leu (NM_015120.4); short protein forms P901L, P902L.
Identifiers: ClinVar variation 1359809 (VCV001359809.6), dbSNP rs2103776209, ClinGen allele CA347271378.

ClinVar aggregate classification (germline): Uncertain significance (1 of 4 stars; one submission).

Conditions:
Alstrom syndrome (ALMS). Identifiers: Orphanet 64, MedGen C0268425, MONDO:0008763, OMIM 203800.

Submission:

Labcorp Genetics (formerly Invitae), Labcorp
Classification: Uncertain significance for Alstrom syndrome. Last evaluated: 2021-08-11. Review status: criteria provided, single submitter. Criteria: Invitae Variant Classification Sherloc (09022015). Collection method: clinical testing. Allele origin: germline.
Comment: In summary, the available evidence is currently insufficient to determine the role of this variant in disease. Therefore, it has been classified as a Variant of Uncertain Significance. Experimental studies and prediction algorithms are not available or were not evaluated, and the functional significance of this variant is currently unknown. This variant has not been reported in the literature in individuals affected with ALMS1-related conditions. This variant is not present in population databases (ExAC no frequency). This sequence change replaces proline with leucine at codon 902 of the ALMS1 protein (p.Pro902Leu). The proline residue is moderately conserved and there is a moderate physicochemical difference between proline and leucine.